The following is an entry in ClinVar:

NM_003301.7(TRHR):c.625G>T (p.Val209Phe)

Gene: TRHR (thyrotropin releasing hormone receptor; plus strand). Cytogenetic location: 8q23.1.
Variant type: single nucleotide variant.
Coding change: c.625G>T on transcript NM_003301.7 (MANE Select); coding-DNA position 625, G replaced by T.
Protein change: p.Val209Phe; replaces valine 209 with phenylalanine.
Molecular consequence: missense variant.
Genome position (GRCh38, 1-based): chr8:109,088,137, G>T. VCF-style: chr8-109088137-G-T. GRCh37 (hg19) VCF-style: chr8-110100366-G-T.
Other names: short protein forms V209F.
Identifiers: ClinVar variation 4890877 (VCV004890877.1).

ClinVar aggregate classification (germline): Uncertain significance (1 of 4 stars; one submission).

Conditions:
Congenital hypothyroidism. Identifiers: Orphanet 442, MedGen C0010308, MONDO:0018612, HP:0000851.

gnomAD v4.1: 3 of 1,614,124 alleles (0.00019%); highest among the groups gnomAD compares: South Asian, 0.0033%; no homozygotes.

Submission:

Cambridge Genomics Laboratory, East Genomic Laboratory Hub, NHS Genomic Medicine Service
Classification: Uncertain significance for Congenital hypothyroidism. Last evaluated: 2026-08-26. Review status: criteria provided, single submitter. Criteria: ACGS Best Practice Guidelines for Variant Classification in Rare Disease 2020. Collection method: clinical testing. Allele origin: germline. Affected: yes.
Comment: PM1_Supporting,PM2